The following is an entry in ClinVar:

ClinVar aggregate classification (germline): Pathogenic (1 of 4 stars; one submission).

Conditions:
Pyruvate carboxylase deficiency. Also called: ATAXIA WITH LACTIC ACIDOSIS II; LEIGH NECROTIZING ENCEPHALOPATHY DUE TO PYRUVATE CARBOXYLASE DEFICIENCY; LEIGH SYNDROME DUE TO PYRUVATE CARBOXYLASE DEFICIENCY; PC DEFICIENCY; Pyruvate Carboxylase Deficiency Disease. Identifiers: Orphanet 3008, MedGen C0034341, MONDO:0009949, OMIM 266150.

Submission:

Myriad Genetics, Inc.
Classification: Pathogenic for Pyruvate carboxylase deficiency. Last evaluated: 2026-05-22. Review status: criteria provided, single submitter. Criteria: Myriad Autosomal Dominant, Autosomal Recessive and X-Linked Classification Criteria (2023). Collection method: clinical testing. Allele origin: unknown.
Comment: NM_000920.3(PC):c.630C>G(Y210*) is expected to be pathogenic in the context of pyruvate carboxylase deficiency. This variant is predicted to lead to an abnormal or absent protein product due to the creation of a premature termination codon in PC, a gene where loss-of-function variants are known to be pathogenic. Please note: this variant was assessed in the context of healthy population screening.

NM_001040716.2(PC):c.630C>G (p.Tyr210Ter)

Gene: PC (pyruvate carboxylase; minus strand). Cytogenetic location: 11q13.2.
Variant type: single nucleotide variant.
Coding change: c.630C>G on transcript NM_001040716.2 (MANE Select); coding-DNA position 630, C replaced by G.
Protein change: p.Tyr210Ter; replaces tyrosine 210 with a stop codon.
Molecular consequence: nonsense.
Genome position (GRCh38, 1-based): chr11:66,871,055, G>C on the plus strand (C>G on the coding strand, the complement: PC is on the minus strand). VCF-style: chr11-66871055-G-C. GRCh37 (hg19) VCF-style: chr11-66638526-G-C.
Other names: c.630C>G, p.Tyr210Ter (NM_000920.4, NM_001439352.1, NM_001439353.1 and 5 more transcripts); short protein forms Y210*.
Identifiers: ClinVar variation 5015944 (VCV005015944.1).